The following is an entry in ClinVar:

NM_004863.4(SPTLC2):c.1440-63G>A

Gene: SPTLC2 (serine palmitoyltransferase long chain base subunit 2; minus strand). Cytogenetic location: 14q24.3.
Variant type: single nucleotide variant.
Coding change: c.1440-63G>A on transcript NM_004863.4 (MANE Select); 63 bases into the intron before coding-DNA position 1440, G replaced by A.
Molecular consequence: intron variant.
Genome position (GRCh38, 1-based): chr14:77,518,230, C>T on the plus strand (G>A on the coding strand, the complement: SPTLC2 is on the minus strand). VCF-style: chr14-77518230-C-T. GRCh37 (hg19) VCF-style: chr14-77984573-C-T.
Identifiers: ClinVar variation 670140 (VCV000670140.2), dbSNP rs926114, ClinGen allele CA14051750.

ClinVar aggregate classification (germline): Benign. Review status: criteria provided, multiple submitters, no conflicts (2 of 4 stars). 2 submissions from 2 submitters: Benign (2). Last evaluated 2018-06-14.

Allele frequency attached by ClinVar (database versions not stated): 1000 Genomes Project 30x 0.94566; 1000 Genomes Project 0.94788; TOPMed 0.95228; gnomAD 0.95447 and 0.95774; gnomAD exomes 0.99578.
gnomAD v4.1: 1,596,356 of 1,609,198 alleles (99%); highest among the groups gnomAD compares: East Asian, 100%; 792,691 homozygotes.

Submissions (2):

GeneDx
Classification: Benign. Last evaluated: 2018-06-14. Review status: criteria provided, single submitter. Criteria: GeneDx Variant Classification (06012015). Collection method: clinical testing. Allele origin: germline. Affected: yes.
Comment: This variant is considered likely benign or benign based on one or more of the following criteria: it is a conservative change, it occurs at a poorly conserved position in the protein, it is predicted to be benign by multiple in silico algorithms, and/or has population frequency not consistent with disease.

Breakthrough Genomics
Classification: Benign. Review status: criteria provided, single submitter. Criteria: ACMG Guidelines, 2015. Collection method: not provided. Allele origin: germline. Inheritance: Autosomal dominant inheritance. Affected: yes.